The following is an entry in ClinVar:

NM_014629.4(ARHGEF10):c.1006C>A (p.Leu336Met)

Gene: ARHGEF10 (Rho guanine nucleotide exchange factor 10; plus strand). Cytogenetic location: 8p23.3.
Variant type: single nucleotide variant.
Coding change: c.1006C>A on transcript NM_014629.4 (MANE Select); coding-DNA position 1006, C replaced by A.
Protein change: p.Leu336Met; replaces leucine 336 with methionine.
Molecular consequence: missense variant.
Genome position (GRCh38, 1-based): chr8:1,882,680, C>A. VCF-style: chr8-1882680-C-A. GRCh37 (hg19) VCF-style: chr8-1830846-C-A.
Other names: c.1009C>A, p.Leu337Met (NM_001308153.3); c.892C>A, p.Leu298Met (NM_001308152.2); short protein forms L336M, L361M, L298M, L337M.
Identifiers: ClinVar variation 2729528 (VCV002729528.3), dbSNP rs535594007, ClinGen allele CA369956918.

ClinVar aggregate classification (germline): Uncertain significance (1 of 4 stars; one submission).

Allele frequency attached by ClinVar (database versions not stated): TOPMed below 0.00001.
gnomAD v4.1: 2 of 1,557,022 alleles (0.00013%); highest among the groups gnomAD compares: Admixed American, 0.0039%; no homozygotes.

Submission:

Labcorp Genetics (formerly Invitae), Labcorp
Classification: Uncertain significance. Last evaluated: 2023-05-26. Review status: criteria provided, single submitter. Criteria: Invitae Variant Classification Sherloc (09022015). Collection method: clinical testing. Allele origin: germline.
Comment: The frequency data for this variant in the population databases is considered unreliable, as metrics indicate poor data quality at this position in the gnomAD database. This variant has not been reported in the literature in individuals affected with ARHGEF10-related conditions. An algorithm developed to predict the effect of missense changes on protein structure and function (PolyPhen-2) suggests that this variant is likely to be disruptive. In summary, the available evidence is currently insufficient to determine the role of this variant in disease. Therefore, it has been classified as a Variant of Uncertain Significance. This sequence change replaces leucine, which is neutral and non-polar, with methionine, which is neutral and non-polar, at codon 336 of the ARHGEF10 protein (p.Leu336Met).